The following is an entry in ClinVar:

NM_004360.5(CDH1):c.2446A>T (p.Lys816Ter)

Gene: CDH1 (cadherin 1; plus strand). Cytogenetic location: 16q22.1.
Variant type: single nucleotide variant.
Coding change: c.2446A>T on transcript NM_004360.5 (MANE Select); coding-DNA position 2446, A replaced by T.
Protein change: p.Lys816Ter; replaces lysine 816 with a stop codon.
Molecular consequence: nonsense.
Genome position (GRCh38, 1-based): chr16:68,833,296, A>T. VCF-style: chr16-68833296-A-T. GRCh37 (hg19) VCF-style: chr16-68867199-A-T.
Other names: c.2263A>T, p.Lys755Ter (NM_001317184.2); c.898A>T, p.Lys300Ter (NM_001317185.2); c.481A>T, p.Lys161Ter (NM_001317186.2); c.2446A>T (LRG_301t1); short protein forms K816*, K161*, K300*, K755*.
Identifiers: ClinVar variation 496818 (VCV000496818.18), dbSNP rs1555518211, ClinGen allele CA396471960.
Genomic context (GRCh38, chr16:68,833,296, plus strand): 5'-TGACAGGTGTGCCCTTCCTTTCACTAAAAGATGCTTTTGTCCCTTCTTCTTTAGAATCTG[A>T]AAGCGGCTGATACTGACCCCACAGCCCCGCCTTATGATTCTCTGCTCGTGTTTGACTATG-3'

ClinVar aggregate classification (germline): Likely pathogenic. Review status: reviewed by expert panel (3 of 4 stars). 4 submissions from 4 submitters: Likely pathogenic (1). 3 of the submissions do not count toward it. Last evaluated 2024-03-25.

Conditions:
CDH1-related diffuse gastric and lobular breast cancer syndrome. Also called: CDH1-related diffuse gastric and lobular breast cancer. Identifiers: MedGen CN311521, MONDO:0100488.
Hereditary cancer-predisposing syndrome. Also called: Tumor predisposition; Hereditary neoplastic syndrome; Neoplastic Syndromes, Hereditary; Hereditary Cancer Syndrome. Identifiers: Orphanet 140162, MedGen C0027672, MeSH D009386, MONDO:0015356.
Hereditary diffuse gastric adenocarcinoma (HDGC). Also called: DIFFUSE GASTRIC AND LOBULAR BREAST CANCER SYNDROME. Identifiers: Orphanet 26106, MedGen C1708349, MONDO:0007648, OMIM 137215.
Familial cancer of breast. Also called: hereditary breast carcinoma; BREAST CANCER, FAMILIAL; Hereditary breast cancer. Identifiers: Orphanet 227535, MedGen C0346153, MONDO:0016419, OMIM 114480. Disease mechanism: loss of function.

Submissions (4):

Clingen Gastric Cancer Variant Curation Expert Panel
Classification: Likely pathogenic for CDH1-related diffuse gastric and lobular breast cancer syndrome. Last evaluated: 2024-03-25. Review status: reviewed by expert panel. Criteria: ClinGen CDH1 ACMG Specifications V3.1. Collection method: curation. Allele origin: germline. Inheritance: Autosomal dominant inheritance.
Comment: The c.2446A>T (p.Lys816Ter) variant is predicted to result in a premature stop codon that leads to a truncated or absent protein within the NMD-resistant zone and located upstream the most 3’ well-characterized pathogenic variant c.2506G>T (p.Glu836Ter) (PVS1_Strong). The variant is absent in the gnomAD cohort (PM2_Supporting). The variant has been reported in one family meeting clinical criteria for HDGC (PS4_Supporting; PMID: 29798843). In summary, this variant meets criteria to be classified as Likely Pathogenic based on the ACMG/AMP criteria applied as specified by the CDH1 Variant Curation Expert Panel(Variant Interpretation Guidelines Version 3.1): PVS1_Strong, PM2_Supporting, PS4_Supporting.

Baylor Genetics
Classification: Likely pathogenic for Familial cancer of breast. Last evaluated: 2022-05-14. Review status: criteria provided, single submitter. Criteria: ACMG Guidelines, 2015. Collection method: clinical testing. Allele origin: unknown. Not counted in ClinVar's aggregate classification.

Ambry Genetics
Classification: Likely pathogenic for Hereditary cancer-predisposing syndrome. Last evaluated: 2018-02-02. Review status: criteria provided, single submitter. Criteria: Ambry Variant Classification Scheme 2023. Collection method: clinical testing. Allele origin: germline. Not counted in ClinVar's aggregate classification.
Comment: The p.K816* variant (also known as c.2446A>T), located in coding exon 16 of the CDH1 gene, results from an A to T substitution at nucleotide position 2446. This changes the amino acid from a lysine to a stop codon within coding exon 16. Premature stop codons are typically deleterious in nature, however, this stop codon occurs at the 3' terminus of CDH1, is not expected to trigger nonsense-mediated mRNA decay, and impacts only the last 67 amino acids of the protein. The exact functional impact of these removed amino acids is unknown at this time; however, the deleted region eliminates the catenin-binding domain, which is important for regulating the stability of cadherin mediated cell-cell adhesion (Ishiyama N et al. Cell. 2010 Apr;141:117-28). Based on the majority of available evidence to date, this variant is likely to be pathogenic.

Labcorp Genetics (formerly Invitae), Labcorp
Classification: Likely pathogenic for Hereditary diffuse gastric adenocarcinoma. Last evaluated: 2017-12-20. Review status: criteria provided, single submitter. Criteria: Invitae Variant Classification Sherloc (09022015). Collection method: clinical testing. Allele origin: germline. Not counted in ClinVar's aggregate classification.
Comment: In summary, the currently available evidence indicates that the variant is pathogenic, but additional data are needed to prove that conclusively. Therefore, this variant has been classified as Likely Pathogenic. This variant is expected to delete the C-terminal portion of the cytoplasmic domain of the CDH1 (E-cadherin) protein, which includes the binding domains for the PIP5K1C (phosphatidylinositol phosphate kinase, type I gamma) and CTNNB1 (beta-catenin) proteins (PMID: 22850631). Loss of these domains is expected to disrupt normal E-cadherin function (PMID: 17261850, 10037790). This suggests that deletion of this region of the CDH1 protein is causative of disease. This variant has not been reported in the literature in individuals with CDH1-related disease. This variant is not present in population databases (ExAC no frequency). This sequence change results in a premature translational stop signal in the CDH1 gene (p.Lys816*). While this is not anticipated to result in nonsense mediated decay, it is expected to delete the last 67 amino acids of the CDH1 protein.

Literature cited by the submitters: PubMed 22850631 (cited by Labcorp Genetics (formerly Invitae), Labcorp); PubMed 17261850 (cited by Labcorp Genetics (formerly Invitae), Labcorp); PubMed 10037790 (cited by Labcorp Genetics (formerly Invitae), Labcorp).